The following is an entry in ClinVar:

ClinVar aggregate classification (germline): Uncertain significance (1 of 4 stars; one submission).

gnomAD v4.1: 1 of 1,210,559 alleles (0.000083%); highest among the groups gnomAD compares: Non-Finnish European, 0.00011%; no homozygotes.

Submission:

GeneDx
Classification: Uncertain significance. Last evaluated: 2024-06-04. Review status: criteria provided, single submitter. Criteria: GeneDx Variant Classification Process June 2021. Collection method: clinical testing. Allele origin: germline. Affected: yes.
Comment: Not observed at significant frequency in large population cohorts (gnomAD); In silico analysis indicates that this missense variant does not alter protein structure/function; Has not been previously published as pathogenic or benign to our knowledge

NM_001379451.1(BCORL1):c.4119T>G (p.Ser1373Arg)

Gene: BCORL1 (BCL6 corepressor like 1; plus strand). Cytogenetic location: Xq26.1.
Variant type: single nucleotide variant.
Coding change: c.4119T>G on transcript NM_001379451.1 (MANE Select); coding-DNA position 4119, T replaced by G.
Protein change: p.Ser1373Arg; replaces serine 1373 with arginine.
Molecular consequence: missense variant.
Genome position (GRCh38, 1-based): chrX:130,028,675, T>G. VCF-style: chrX-130028675-T-G. GRCh37 (hg19) VCF-style: chrX-129162650-T-G.
Other names: c.4119T>G, p.Ser1373Arg (NM_001184772.3, NM_001379450.1, NM_021946.5); short protein forms S1373R.
Identifiers: ClinVar variation 3384652 (VCV003384652.1).